The following is an entry in ClinVar:

ClinVar aggregate classification (germline): Uncertain significance (1 of 4 stars; one submission).

Conditions:
Myofibrillar myopathy 4. Also called: Zaspopathy (type). Identifiers: Orphanet 98912, MedGen C4721886, MONDO:0012277, OMIM 609452.

Submission:

Labcorp Genetics (formerly Invitae), Labcorp
Classification: Uncertain significance for Myofibrillar myopathy 4. Last evaluated: 2021-11-27. Review status: criteria provided, single submitter. Criteria: Invitae Variant Classification Sherloc (09022015). Collection method: clinical testing. Allele origin: germline.
Comment: This variant, c.327_335delinsGAACGG, is a complex sequence change that results in the deletion of 2 and insertion of 2 amino acid(s) in the LDB3 protein (p.Ala110_Asp112delinsAsnGly). This variant is not present in population databases (gnomAD no frequency). This variant has not been reported in the literature in individuals affected with LDB3-related conditions. Experimental studies and prediction algorithms are not available or were not evaluated, and the functional significance of this variant is currently unknown. In summary, the available evidence is currently insufficient to determine the role of this variant in disease. Therefore, it has been classified as a Variant of Uncertain Significance. The LDB3 gene has multiple clinically relevant transcripts. This variant occurs in alternate transcript NM_007078.3, and corresponds to NM_001080116.1:c.321+1284_321+1292delinsGAACGG in the primary transcript.

NM_007078.3(LDB3):c.327del (p.Ala110fs)

Gene: LDB3 (LIM domain binding 3; plus strand). Cytogenetic location: 10q23.2.
Variant type: Deletion.
Coding change: c.327del on transcript NM_007078.3 (MANE Select); coding-DNA position 327, one base deleted (C; older notation c.327delC).
Protein change: p.Ala110fs; shifts the reading frame from alanine 110.
Molecular consequence: frameshift variant. On other transcripts: intron variant (5).
Genome position (GRCh38, 1-based): chr10:86,681,441, C deleted; the last of 4 consecutive C bases (chr10:86,681,438-86,681,441); deleting any one gives the same sequence. VCF-style (leftmost placement, unchanged base first): chr10-86681437-AC-A. GRCh37 (hg19) VCF-style: chr10-88441194-AC-A.
Other names: c.327del, p.Ala110fs (NM_001080115.2, NM_001171610.2, NM_001171611.2 and 3 more transcripts); c.321+1284del (NM_001368068.1, NM_001368066.1, NM_001080114.2 and 2 more transcripts); short protein forms A110fs.
Identifiers: ClinVar variation 2010172 (VCV002010172.4), dbSNP rs2132370918, ClinGen allele CA2580082065.